The following is an entry in ClinVar:

NM_000981.4(RPL19):c.31G>T (p.Ala11Ser)

Gene: RPL19 (ribosomal protein L19; plus strand). Cytogenetic location: 17q12.
Variant type: single nucleotide variant.
Coding change: c.31G>T on transcript NM_000981.4 (MANE Select); coding-DNA position 31, G replaced by T.
Protein change: p.Ala11Ser; replaces alanine 11 with serine.
Molecular consequence: missense variant.
Genome position (GRCh38, 1-based): chr17:39,201,238, G>T. VCF-style: chr17-39201238-G-T. GRCh37 (hg19) VCF-style: chr17-37357491-G-T.
Other names: c.25G>T, p.Ala9Ser (NM_001330200.1); c.31G>T (NM_000981.3); short protein forms A9S, A11S.
Identifiers: ClinVar variation 1378002 (VCV001378002.7), dbSNP rs755050991, ClinGen allele CA290376093.

ClinVar aggregate classification (germline): Uncertain significance. Review status: criteria provided, multiple submitters, no conflicts (2 of 4 stars). 2 submissions from 2 submitters: Uncertain significance (2). Last evaluated 2026-02-01.

Conditions:
RPL19-related disorder. Also called: RPL19-related condition.

Allele frequency attached by ClinVar (database versions not stated): TOPMed 0.00001; gnomAD 0.00002 and 0.00003.

Submissions (2):

Labcorp Genetics (formerly Invitae), Labcorp
Classification: Uncertain significance. Last evaluated: 2026-02-01. Review status: criteria provided, single submitter. Criteria: Invitae Variant Classification Sherloc (09022015). Collection method: clinical testing. Allele origin: germline.
Comment: This sequence change replaces alanine, which is neutral and non-polar, with serine, which is neutral and polar, at codon 11 of the RPL19 protein (p.Ala11Ser). This variant is not present in population databases (gnomAD no frequency). This variant has not been reported in the literature in individuals affected with RPL19-related conditions. ClinVar contains an entry for this variant (Variation ID: 1378002). An algorithm developed to predict the effect of missense changes on protein structure and function (PolyPhen-2) suggests that this variant is likely to be tolerated. In summary, the available evidence is currently insufficient to determine the role of this variant in disease. Therefore, it has been classified as a Variant of Uncertain Significance.

PreventionGenetics, part of Exact Sciences
Classification: Uncertain significance for RPL19-related condition. Last evaluated: 2025-08-29. Review status: criteria provided, single submitter. Criteria: ACMG Guidelines, 2015. Collection method: clinical testing. Allele origin: germline.
Comment: The RPL19 c.31G>T variant is predicted to result in the amino acid substitution p.Ala11Ser. To our knowledge, this variant has not been reported in the literature or in a large population database, indicating this variant is rare. At this time, the clinical significance of this variant is uncertain due to the absence of conclusive functional and genetic evidence.